The following is an entry in ClinVar:

NM_000278.5(PAX2):c.-37G>T

Gene: PAX2 (paired box 2; plus strand). Cytogenetic location: 10q24.31.
Variant type: single nucleotide variant.
Coding change: c.-37G>T on transcript NM_000278.5 (MANE Select); 37 bases upstream of the start codon, G replaced by T.
Molecular consequence: 5 prime UTR variant. On other transcripts: synonymous variant (2).
Genome position (GRCh38, 1-based): chr10:100,746,224, G>T. VCF-style: chr10-100746224-G-T. GRCh37 (hg19) VCF-style: chr10-102505981-G-T.
Other names: c.57G>T, p.Ala19= (NM_001304569.2, NM_001374303.1); c.-37G>T (NM_003987.5, NM_003988.5, NM_003989.5 and 1 more transcripts).
Identifiers: ClinVar variation 3035825 (VCV003035825.3), dbSNP rs189584391, ClinGen allele CA5650593.

ClinVar aggregate classification (germline): Likely benign. Review status: criteria provided, single submitter (1 of 4 stars). 2 submissions from 2 submitters: Likely benign (1). 1 of the submissions does not count toward it. Last evaluated 2021-03-23.

Conditions:
PAX2-Related Disorder. Also called: PAX2-related disorders. Identifiers: MedGen CN381309.

Allele frequency attached by ClinVar (database versions not stated): ExAC 0.00014; ESP Exome Variant Server 0.00039; TOPMed 0.00045; 1000 Genomes Project 30x 0.00047; gnomAD 0.00050; 1000 Genomes Project 0.00060.

Submissions (2):

Blueprint Genetics
Classification: Likely benign. Last evaluated: 2021-03-23. Review status: criteria provided, single submitter. Criteria: ACMG Guidelines, 2015. Collection method: clinical testing. Allele origin: germline.

PreventionGenetics, part of Exact Sciences
Classification: Likely benign for PAX2-related condition. Last evaluated: 2019-08-28. Review status: no assertion criteria provided. Collection method: clinical testing. Allele origin: germline. Not counted in ClinVar's aggregate classification.
Comment: This variant is classified as likely benign based on ACMG/AMP sequence variant interpretation guidelines (Richards et al. 2015 PMID: 25741868, with internal and published modifications).